The following is an entry in ClinVar:

ClinVar aggregate classification (germline): Uncertain significance. Review status: criteria provided, multiple submitters, no conflicts (2 of 4 stars). 2 submissions from 2 submitters: Uncertain significance (2). Last evaluated 2026-08-18.

Conditions:
Wiedemann-Steiner syndrome (WDSTS). Also called: Growth deficiency and mental retardation with facial dysmorphism. Identifiers: Orphanet 319182, MedGen C1854630, MONDO:0011518, OMIM 605130.

Submissions (2):

GeneDx
Classification: Uncertain significance. Last evaluated: 2026-08-18. Review status: criteria provided, single submitter. Criteria: GeneDx Variant Classification Process June 2021. Collection method: clinical testing. Allele origin: germline.
Comment: In silico analysis supports that this missense variant has a deleterious effect on protein structure/function; Has not been previously published as pathogenic or benign to our knowledge; This variant is associated with the following publications: (PMID: 35727845, 39405275)

HudsonAlpha Institute for Biotechnology
Classification: Uncertain significance for Wiedemann-Steiner syndrome. Last evaluated: 2019-08-08. Review status: criteria provided, single submitter. Criteria: ACMG Guidelines, 2015. Collection method: research. Allele origin: unknown. Observed: 1 variant allele. Study: HudsonAlpha-AGHI-WGS.

NM_001197104.2(KMT2A):c.11587G>A (p.Gly3863Ser)

Genes: KMT2A (lysine methyltransferase 2A; plus strand), TTC36-AS1 (TTC36 and KMT2A antisense RNA 1; minus strand). Cytogenetic location: 11q23.3.
Variant type: single nucleotide variant.
Coding change: c.11587G>A on transcript NM_001197104.2 (MANE Select); coding-DNA position 11587, G replaced by A.
Protein change: p.Gly3863Ser; replaces glycine 3863 with serine.
Molecular consequence: missense variant.
Genome position (GRCh38, 1-based): chr11:118,521,361, G>A. VCF-style: chr11-118521361-G-A. GRCh37 (hg19) VCF-style: chr11-118392076-G-A.
Other names: c.11578G>A, p.Gly3860Ser (NM_005933.4); c.11587G>A (NM_001197104.1); short protein forms G3860S, G3863S.
Identifiers: ClinVar variation 828190 (VCV000828190.3), dbSNP rs1591311290, ClinGen allele CA382835667.